The following is an entry in ClinVar:

ClinVar aggregate classification (germline): Uncertain significance (1 of 4 stars; one submission).

Conditions:
Breast-ovarian cancer, familial, susceptibility to, 4. Identifiers: Orphanet 145, MedGen C3280345, MONDO:0013669, OMIM 614291.

Submission:

Labcorp Genetics (formerly Invitae), Labcorp
Classification: Uncertain significance for Breast-ovarian cancer, familial, susceptibility to, 4. Last evaluated: 2024-01-15. Review status: criteria provided, single submitter. Criteria: Invitae Variant Classification Sherloc (09022015). Collection method: clinical testing. Allele origin: germline.
Comment: This sequence change replaces methionine, which is neutral and non-polar, with threonine, which is neutral and polar, at codon 228 of the RAD51D protein (p.Met228Thr). This variant is not present in population databases (gnomAD no frequency). This variant has not been reported in the literature in individuals affected with RAD51D-related conditions. ClinVar contains an entry for this variant (Variation ID: 2198865). Advanced modeling of protein sequence and biophysical properties (such as structural, functional, and spatial information, amino acid conservation, physicochemical variation, residue mobility, and thermodynamic stability) performed at Invitae indicates that this missense variant is not expected to disrupt RAD51D protein function with a negative predictive value of 80%. In summary, the available evidence is currently insufficient to determine the role of this variant in disease. Therefore, it has been classified as a Variant of Uncertain Significance.

NM_002878.4(RAD51D):c.683T>C (p.Met228Thr)

Genes: RAD51L3-RFFL (RAD51L3-RFFL readthrough; minus strand), RAD51D (RAD51 paralog D; minus strand). Cytogenetic location: 17q12.
Variant type: single nucleotide variant.
Coding change: c.683T>C on transcript NM_002878.4 (MANE Select); coding-DNA position 683, T replaced by C.
Protein change: p.Met228Thr; replaces methionine 228 with threonine.
Molecular consequence: missense variant. On other transcripts: non-coding transcript variant (3).
Genome position (GRCh38, 1-based): chr17:35,103,309, A>G on the plus strand (T>C on the coding strand, the complement: RAD51D is on the minus strand). VCF-style: chr17-35103309-A-G. GRCh37 (hg19) VCF-style: chr17-33430328-A-G.
Other names: c.743T>C, p.Met248Thr (NM_001142571.2); c.347T>C, p.Met116Thr (NM_133629.3); short protein forms M116T, M248T, M228T.
Identifiers: ClinVar variation 2198865 (VCV002198865.4), dbSNP rs2142418676, ClinGen allele CA399087739.